The following is an entry in ClinVar:

NM_033116.6(NEK9):c.250G>A (p.Asp84Asn)

Gene: NEK9 (NIMA related kinase 9; minus strand). Cytogenetic location: 14q24.3.
Variant type: single nucleotide variant.
Coding change: c.250G>A on transcript NM_033116.6 (MANE Select); coding-DNA position 250, G replaced by A.
Protein change: p.Asp84Asn; replaces aspartic acid 84 with asparagine.
Molecular consequence: missense variant. On other transcripts: 5 prime UTR variant (1).
Genome position (GRCh38, 1-based): chr14:75,124,193, C>T on the plus strand (G>A on the coding strand, the complement: NEK9 is on the minus strand). VCF-style: chr14-75124193-C-T. GRCh37 (hg19) VCF-style: chr14-75590896-C-T.
Other names: c.250G>A, p.Asp84Asn (NM_001329237.2); c.-105G>A (NM_001329238.2); c.250G>A (NM_033116.5); short protein forms D84N.
Identifiers: ClinVar variation 730012 (VCV000730012.13), dbSNP rs143597394, ClinGen allele CA7277297.

ClinVar aggregate classification (germline): Likely benign. Review status: criteria provided, multiple submitters, no conflicts (2 of 4 stars). 4 submissions from 4 submitters: Likely benign (3). 1 of the submissions does not count toward it. Last evaluated 2026-09-01.

Conditions:
NEK9-related disorder. Also called: NEK9-related condition.

Allele frequency attached by ClinVar (database versions not stated): 1000 Genomes Project 0.00120; 1000 Genomes Project 30x 0.00125; TOPMed 0.00247; gnomAD 0.00264; ESP Exome Variant Server 0.00331.
gnomAD v4.1: 5,635 of 1,613,990 alleles (0.35%); highest among the groups gnomAD compares: Middle Eastern, 0.43%; 23 homozygotes.

Submissions (4):

CeGaT Center for Human Genetics Tuebingen
Classification: Likely benign. Last evaluated: 2026-09-01. Review status: criteria provided, single submitter. Criteria: CeGaT Center For Human Genetics Tuebingen Variant Classification Criteria Version 2. Collection method: clinical testing. Allele origin: germline. Affected: yes. Observed: 2 variant alleles.
Comment: NEK9: BS2

Labcorp Genetics (formerly Invitae), Labcorp
Classification: Likely benign. Last evaluated: 2019-12-31. Review status: criteria provided, single submitter. Criteria: Invitae Variant Classification Sherloc (09022015). Collection method: clinical testing. Allele origin: germline.

Breakthrough Genomics
Classification: Likely benign. Review status: criteria provided, single submitter. Criteria: ACMG Guidelines, 2015. Collection method: not provided. Allele origin: germline. Inheritance: Autosomal recessive inheritance. Affected: yes.

PreventionGenetics, part of Exact Sciences
Classification: Likely benign for NEK9-related condition. Last evaluated: 2022-04-28. Review status: no assertion criteria provided. Collection method: clinical testing. Allele origin: germline. Not counted in ClinVar's aggregate classification.
Comment: This variant is classified as likely benign based on ACMG/AMP sequence variant interpretation guidelines (Richards et al. 2015 PMID: 25741868, with internal and published modifications).